The following is an entry in ClinVar:

NM_018834.6(MATR3):c.1343A>G (p.Gln448Arg)

Gene: MATR3 (matrin 3; plus strand). Cytogenetic location: 5q31.2.
Variant type: single nucleotide variant.
Coding change: c.1343A>G on transcript NM_018834.6 (MANE Select); coding-DNA position 1343, A replaced by G.
Protein change: p.Gln448Arg; replaces glutamine 448 with arginine.
Molecular consequence: missense variant.
Genome position (GRCh38, 1-based): chr5:139,318,942, A>G. VCF-style: chr5-139318942-A-G. GRCh37 (hg19) VCF-style: chr5-138654631-A-G.
Other names: c.1343A>G, p.Gln448Arg (NM_001194954.2, NM_001194955.2, NM_001400441.1 and 16 more transcripts); c.479A>G, p.Gln160Arg (NM_001194956.2); c.329A>G, p.Gln110Arg (NM_001282278.2, NM_001400460.1, NM_001400462.1 and 5 more transcripts); c.482A>G, p.Gln161Arg (NM_001400459.1); c.443A>G, p.Gln148Arg (NM_001400461.1); short protein forms Q161R, Q110R, Q160R, Q448R, Q148R.
Identifiers: ClinVar variation 2798066 (VCV002798066.3), dbSNP rs1246117151, ClinGen allele CA361140797.
Genomic context (GRCh38, chr5:139,318,942, plus strand): 5'-AGAAATAACTTTTTGTATAATTTCAGGCATTTATTGAAATGGCAACCACAGAGGATGCTC[A>G]GGCCGCAGTGGATTATTACACAACCACACCAGCGTTAGTATTTGGCAAGCCAGTGAGAGT-3'
Protein context (NP_061322.2, residues 438-458): FIEMATTEDA[Gln448Arg]AAVDYYTTTP

ClinVar aggregate classification (germline): Uncertain significance (1 of 4 stars; one submission).

Conditions:
Amyotrophic lateral sclerosis type 21. Also called: MYOPATHY, DISTAL, 2; VOCAL CORD AND PHARYNGEAL DYSFUNCTION WITH DISTAL MYOPATHY. Identifiers: Orphanet 600, Orphanet 803, MedGen C3807521, MONDO:0011632, OMIM 606070.

Allele frequency attached by ClinVar (database versions not stated): gnomAD exomes below 0.00001; TOPMed 0.00001.
gnomAD v4.1: 2 of 1,614,028 alleles (0.00012%); highest among the groups gnomAD compares: African/African-American, 0.0013%; no homozygotes.

Submission:

Labcorp Genetics (formerly Invitae), Labcorp
Classification: Uncertain significance for Amyotrophic lateral sclerosis type 21. Last evaluated: 2023-05-01. Review status: criteria provided, single submitter. Criteria: Invitae Variant Classification Sherloc (09022015). Collection method: clinical testing. Allele origin: germline.
Comment: This sequence change replaces glutamine, which is neutral and polar, with arginine, which is basic and polar, at codon 448 of the MATR3 protein (p.Gln448Arg). In summary, the available evidence is currently insufficient to determine the role of this variant in disease. Therefore, it has been classified as a Variant of Uncertain Significance. Advanced modeling of protein sequence and biophysical properties (such as structural, functional, and spatial information, amino acid conservation, physicochemical variation, residue mobility, and thermodynamic stability) performed at Invitae indicates that this missense variant is not expected to disrupt MATR3 protein function. This variant has not been reported in the literature in individuals affected with MATR3-related conditions. This variant is present in population databases (no rsID available, gnomAD 0.007%).